The following is an entry in ClinVar:

NM_022081.6(HPS4):c.636G>T (p.Lys212Asn)

Gene: HPS4 (HPS4 biogenesis of lysosomal organelles complex 3 subunit 2; minus strand). Cytogenetic location: 22q12.1.
Variant type: single nucleotide variant.
Coding change: c.636G>T on transcript NM_022081.6 (MANE Select); coding-DNA position 636, G replaced by T.
Protein change: p.Lys212Asn; replaces lysine 212 with asparagine.
Molecular consequence: missense variant. On other transcripts: non-coding transcript variant (8).
Genome position (GRCh38, 1-based): chr22:26,468,584, C>A on the plus strand (G>T on the coding strand, the complement: HPS4 is on the minus strand). VCF-style: chr22-26468584-C-A. GRCh37 (hg19) VCF-style: chr22-26864550-C-A.
Other names: c.636G>T, p.Lys212Asn (NM_001349896.1, NM_001349898.2, NM_001349899.2 and 6 more transcripts); c.621G>T, p.Lys207Asn (NM_152841.2); c.636G>T (NM_022081.4); short protein forms K207N, K212N.
Identifiers: ClinVar variation 1381113 (VCV001381113.6), dbSNP rs202091945, ClinGen allele CA10163609.

ClinVar aggregate classification (germline): Uncertain significance. Review status: criteria provided, multiple submitters, no conflicts (2 of 4 stars). 2 submissions from 2 submitters: Uncertain significance (2). Last evaluated 2025-03-01.

Conditions:
Inborn genetic diseases. Identifiers: MedGen C0950123, MeSH D030342.

Allele frequency attached by ClinVar (database versions not stated): TOPMed below 0.00001; gnomAD 0.00001.
gnomAD v4.1: 20 of 1,613,668 alleles (0.0012%); highest among the groups gnomAD compares: Non-Finnish European, 0.0016%; no homozygotes.

Submissions (2):

Ambry Genetics
Classification: Uncertain significance for Inborn genetic diseases. Last evaluated: 2025-03-01. Review status: criteria provided, single submitter. Criteria: Ambry Variant Classification Scheme 2023. Collection method: clinical testing. Allele origin: germline.

Labcorp Genetics (formerly Invitae), Labcorp
Classification: Uncertain significance. Last evaluated: 2021-09-02. Review status: criteria provided, single submitter. Criteria: Invitae Variant Classification Sherloc (09022015). Collection method: clinical testing. Allele origin: germline.
Comment: This sequence change replaces lysine with asparagine at codon 212 of the HPS4 protein (p.Lys212Asn). The lysine residue is highly conserved and there is a moderate physicochemical difference between lysine and asparagine. This variant is present in population databases (rs202091945, ExAC 0.003%). This variant has not been reported in the literature in individuals affected with HPS4-related conditions. Algorithms developed to predict the effect of missense changes on protein structure and function are either unavailable or do not agree on the potential impact of this missense change (SIFT: "Tolerated"; PolyPhen-2: "Probably Damaging"; Align-GVGD: "Class C25"). In summary, the available evidence is currently insufficient to determine the role of this variant in disease. Therefore, it has been classified as a Variant of Uncertain Significance.